The following is an entry in ClinVar:

NM_002317.7(LOX):c.142T>C (p.Trp48Arg)

Genes: LOX (lysyl oxidase; minus strand), SRFBP1 (serum response factor binding protein 1; plus strand). Cytogenetic location: 5q23.1.
Variant type: single nucleotide variant.
Coding change: c.142T>C on transcript NM_002317.7 (MANE Select); coding-DNA position 142, T replaced by C.
Protein change: p.Trp48Arg; replaces tryptophan 48 with arginine.
Molecular consequence: missense variant.
Genome position (GRCh38, 1-based): chr5:122,077,844, A>G on the plus strand (T>C on the coding strand, the complement: LOX is on the minus strand). VCF-style: chr5-122077844-A-G. GRCh37 (hg19) VCF-style: chr5-121413539-A-G.
Other names: short protein forms W48R.
Identifiers: ClinVar variation 4779557 (VCV004779557.1).
Genomic context (GRCh38, chr5:122,077,844, plus strand): 5'-GCTGAGGCTGGTACTGTGAGCCCAGGCTCAGCAAGCTGAACACCTGCCCGTTGTTCTCCC[A>G]TTGGATCTGCTGGCGCCAGGCGCCCGGAGCCGCCGGCGGCTCGCGCGGGGGCTGCTGTTG-3'
Protein context (NP_002308.2, residues 38-58): APGAWRQQIQ[Trp48Arg]ENNGQVFSLL

ClinVar aggregate classification (germline): Uncertain significance (1 of 4 stars; one submission).

Submission:

Labcorp Genetics (formerly Invitae), Labcorp
Classification: Uncertain significance. Last evaluated: 2026-01-26. Review status: criteria provided, single submitter. Criteria: Invitae Variant Classification Sherloc (09022015). Collection method: clinical testing. Allele origin: germline.
Comment: This sequence change replaces tryptophan, which is neutral and slightly polar, with arginine, which is basic and polar, at codon 48 of the LOX protein (p.Trp48Arg). This variant is present in population databases (no rsID available, gnomAD 0.001%). This variant has not been reported in the literature in individuals affected with LOX-related conditions. Invitae Evidence Modeling of protein sequence and biophysical properties (such as structural, functional, and spatial information, amino acid conservation, physicochemical variation, residue mobility, and thermodynamic stability) indicates that this missense variant is expected to disrupt LOX protein function with a positive predictive value of 95%. In summary, the available evidence is currently insufficient to determine the role of this variant in disease. Therefore, it has been classified as a Variant of Uncertain Significance.